The following is an entry in ClinVar:

NM_000719.7(CACNA1C):c.2397C>T (p.Ser799=)

Gene: CACNA1C (calcium voltage-gated channel subunit alpha1 C; plus strand). Cytogenetic location: 12p13.33.
Variant type: single nucleotide variant.
Coding change: c.2397C>T on transcript NM_000719.7 (MANE Select); coding-DNA position 2397, C replaced by T.
Protein change: p.Ser799=; no amino-acid change (serine 799 retained).
Molecular consequence: synonymous variant.
Genome position (GRCh38, 1-based): chr12:2,585,433, C>T. VCF-style: chr12-2585433-C-T. GRCh37 (hg19) VCF-style: chr12-2694599-C-T.
Other names: c.2397C>T, p.Ser799= (NM_001129827.2, NM_001129829.2, NM_001129830.3 and 18 more transcripts); c.2388C>T, p.Ser796= (NM_001129844.2).
Identifiers: ClinVar variation 1590783 (VCV001590783.35), dbSNP rs1440491763, ClinGen allele CA477884822.

ClinVar aggregate classification (germline): Likely benign. Review status: criteria provided, multiple submitters, no conflicts (2 of 4 stars). 3 submissions from 3 submitters: Likely benign (3). Last evaluated 2025-05-01.

Conditions:
Cardiovascular phenotype. Identifiers: MedGen CN230736.
Long QT syndrome (LQTS). Identifiers: MedGen C0023976, MeSH D008133, MONDO:0002442. Disease mechanism: loss of function. Inheritance: Various modes of inheritance.

Allele frequency attached by ClinVar (database versions not stated): gnomAD exomes 0.00001; TOPMed 0.00001.
gnomAD v4.1: 18 of 1,606,684 alleles (0.0011%); highest among the groups gnomAD compares: Non-Finnish European, 0.0014%; 1 homozygote.

Submissions (3):

CeGaT Center for Human Genetics Tuebingen
Classification: Likely benign. Last evaluated: 2025-05-01. Review status: criteria provided, single submitter. Criteria: CeGaT Center For Human Genetics Tuebingen Variant Classification Criteria Version 2. Collection method: clinical testing. Allele origin: germline. Affected: yes. Observed: 3 variant alleles.
Comment: CACNA1C: BP4, BP7

Labcorp Genetics (formerly Invitae), Labcorp
Classification: Likely benign for Long QT syndrome. Last evaluated: 2025-02-24. Review status: criteria provided, single submitter. Criteria: Invitae Variant Classification Sherloc (09022015). Collection method: clinical testing. Allele origin: germline.

Ambry Genetics
Classification: Likely benign for Cardiovascular phenotype. Last evaluated: 2021-12-23. Review status: criteria provided, single submitter. Criteria: Ambry Variant Classification Scheme 2023. Collection method: clinical testing. Allele origin: germline.